The following is an entry in ClinVar:

ClinVar aggregate classification (germline): Pathogenic (1 of 4 stars; one submission).

Conditions:
Ehlers-Danlos syndrome due to tenascin-X deficiency (EDSCLL1). Also called: EDS DUE TO TNX DEFICIENCY; TNX DEFICIENCY; Ehlers-Danlos syndrome, classic-like, 1; EHLERS-DANLOS SYNDROME, CLASSIC-LIKE; TNXB-Related Classical-Like Ehlers-Danlos Syndrome. Identifiers: Orphanet 230839, MedGen C1848029, MONDO:0011670, OMIM 606408.

Submission:

Myriad Genetics, Inc.
Classification: Pathogenic for Ehlers-Danlos syndrome due to tenascin-X deficiency. Last evaluated: 2025-09-22. Review status: criteria provided, single submitter. Criteria: Myriad Autosomal Dominant, Autosomal Recessive and X-Linked Classification Criteria (2023). Collection method: clinical testing. Allele origin: unknown.
Comment: NM_019105.6(TNXB):c.3217delA(R1073Gfs*21) is expected to be pathogenic in the context of classical-like Ehlers-Danlos syndrome, TNXB-related. This variant is predicted to lead to an abnormal or absent protein product due to the creation of a premature termination codon in TNXB, a gene where loss-of-function variants are known to be pathogenic. Please note: this variant was assessed in the context of healthy population screening.

NM_001365276.2(TNXB):c.3217del (p.Arg1073fs)

Gene: TNXB (tenascin XB; minus strand). Cytogenetic location: 6p21.33.
Variant type: Deletion.
Coding change: c.3217del on transcript NM_001365276.2 (MANE Select); coding-DNA position 3217, one base deleted (A; older notation c.3217delA).
Protein change: p.Arg1073fs; shifts the reading frame from arginine 1073.
Molecular consequence: frameshift variant.
Genome position (GRCh38, 1-based): chr6:32,084,641, T deleted on the plus strand (A on the coding strand, the reverse complement: TNXB is on the minus strand). VCF-style (leftmost placement, unchanged base first): chr6-32084640-CT-C. GRCh37 (hg19) VCF-style: chr6-32052417-CT-C.
Other names: c.3958del, p.Arg1320fs (NM_001428335.1); c.3217del, p.Arg1073fs (NM_019105.8); short protein forms R1073fs, R1320fs.
Identifiers: ClinVar variation 5015010 (VCV005015010.1).